The following is an entry in ClinVar:

ClinVar aggregate classification (germline): Uncertain significance (1 of 4 stars; one submission).

Conditions:
Baller-Gerold syndrome (BGS). Also called: CRANIOSYNOSTOSIS WITH RADIAL DEFECTS. Identifiers: Orphanet 1225, MedGen C0265308, MONDO:0009039, OMIM 218600.

Submission:

Labcorp Genetics (formerly Invitae), Labcorp
Classification: Uncertain significance for Baller-Gerold syndrome. Last evaluated: 2021-02-24. Review status: criteria provided, single submitter. Criteria: Invitae Variant Classification Sherloc (09022015). Collection method: clinical testing. Allele origin: germline.
Comment: This variant is not present in population databases (ExAC no frequency). This sequence change replaces leucine with valine at codon 840 of the RECQL4 protein (p.Leu840Val). The leucine residue is moderately conserved and there is a small physicochemical difference between leucine and valine. This variant has not been reported in the literature in individuals with RECQL4-related conditions. Experimental studies and prediction algorithms are not available or were not evaluated, and the functional significance of this variant is currently unknown. In summary, the available evidence is currently insufficient to determine the role of this variant in disease. Therefore, it has been classified as a Variant of Uncertain Significance.

NM_004260.4(RECQL4):c.2518C>G (p.Leu840Val)

Gene: RECQL4 (RecQ like helicase 4; minus strand). Cytogenetic location: 8q24.3.
Variant type: single nucleotide variant.
Coding change: c.2518C>G on transcript NM_004260.4 (MANE Select); coding-DNA position 2518, C replaced by G.
Protein change: p.Leu840Val; replaces leucine 840 with valine.
Molecular consequence: missense variant.
Genome position (GRCh38, 1-based): chr8:144,513,084, G>C on the plus strand (C>G on the coding strand, the complement: RECQL4 is on the minus strand). VCF-style: chr8-144513084-G-C. GRCh37 (hg19) VCF-style: chr8-145738467-G-C.
Other names: short protein forms L840V.
Identifiers: ClinVar variation 1428765 (VCV001428765.6), dbSNP rs201106179, ClinGen allele CA187681799.
Genomic context (GRCh38, chr8:144,513,084, plus strand): 5'-GCCTGGTGCAGGTGCAGGTGCAGGCTGGGAACACGCGCTGTACCAGCCTCTTCACAGCCA[G>C]GAAGTCCGTGCTGTCGGCGTGCACATGTCTGCGCAGCTCTCGCAGGTCTTCGCCCTGCAG-3'
Protein context (NP_004251.4, residues 830-850): RHVHADSTDF[Leu840Val]AVKRLVQRVF